The following is an entry in ClinVar:

ClinVar aggregate classification (germline): Pathogenic (1 of 4 stars; one submission).

Conditions:
Breast-ovarian cancer, familial, susceptibility to, 1 (BROVCA1). Also called: BRCA1 Hereditary Breast and Ovarian Cancer; OVARIAN CANCER, SUSCEPTIBILITY TO. Identifiers: Orphanet 145, MedGen C2676676, MONDO:0011450, OMIM 604370. Disease mechanism: loss of function.

Submission:

Myriad Genetics, Inc.
Classification: Pathogenic for Breast-ovarian cancer, familial, susceptibility to, 1. Last evaluated: 2023-02-13. Review status: criteria provided, single submitter. Criteria: Myriad Autosomal Dominant, Autosomal Recessive and X-Linked Classification Criteria (2023). Collection method: clinical testing. Allele origin: unknown.
Comment: This variant is considered pathogenic. This variant creates a frameshift predicted to result in premature protein truncation.

NM_007294.4(BRCA1):c.4554del (p.Asn1519fs)

Gene: BRCA1 (BRCA1 DNA repair associated; minus strand). Cytogenetic location: 17q21.31.
Variant type: Deletion.
Coding change: c.4554del on transcript NM_007294.4 (MANE Select); coding-DNA position 4554, one base deleted (G; older notation c.4554delG).
Protein change: p.Asn1519fs; shifts the reading frame from asparagine 1519.
Molecular consequence: frameshift variant. On other transcripts: intron variant (3).
Genome position (GRCh38, 1-based): chr17:43,074,452, C deleted on the plus strand (G on the coding strand, the reverse complement: BRCA1 is on the minus strand). VCF-style (leftmost placement, unchanged base first): chr17-43074451-TC-T. GRCh37 (hg19) VCF-style: chr17-41226468-TC-T.
Other names: c.4287del, p.Asn1430fs (NM_001407927.1, NM_001407928.1, NM_001407929.1 and 4 more transcripts); c.4284del, p.Asn1429fs (NM_001407934.1, NM_001407935.1, NM_001407936.1); c.4431del, p.Asn1478fs (NM_001407937.1, NM_001407938.1, NM_001407664.1 and 6 more transcripts); c.4428del, p.Asn1477fs (NM_001407939.1, NM_001407940.1, NM_001407670.1 and 11 more transcripts); c.4425del, p.Asn1476fs (NM_001407941.1, NM_001407681.1, NM_001407682.1 and 6 more transcripts); c.4413del, p.Asn1472fs (NM_001407942.1, NM_007297.4, NM_001407692.1 and 13 more transcripts); c.4410del, p.Asn1471fs (NM_001407943.1, NM_001407944.1, NM_001407945.1 and 21 more transcripts); c.4047del, p.Asn1350fs (NM_001407965.1); and 72 more; short protein forms N1222fs, N1223fs, N1350fs, N1390fs, N1391fs, N1392fs, N1406fs, N1407fs.
Identifiers: ClinVar variation 2573323 (VCV002573323.1), dbSNP rs2551487239, ClinGen allele CA2580612640.